The following is an entry in ClinVar:

NM_001110556.2(FLNA):c.5416+6T>G

Gene: FLNA (filamin A; minus strand). Cytogenetic location: Xq28.
Variant type: single nucleotide variant.
Coding change: c.5416+6T>G on transcript NM_001110556.2 (MANE Select); 6 bases into the intron after coding-DNA position 5416, T replaced by G.
Molecular consequence: intron variant.
Genome position (GRCh38, 1-based): chrX:154,354,375, A>C on the plus strand (T>G on the coding strand, the complement: FLNA is on the minus strand). VCF-style: chrX-154354375-A-C. GRCh37 (hg19) VCF-style: chrX-153582743-A-C.
Other names: c.5392+6T>G (NM_001456.4).
Identifiers: ClinVar variation 935454 (VCV000935454.10), dbSNP rs2067646326, ClinGen allele CA1139667905.

ClinVar aggregate classification (germline): Uncertain significance (1 of 4 stars; one submission).

Conditions:
Frontometaphyseal dysplasia (FMD1). Identifiers: Orphanet 1826, MedGen C0265293, MONDO:0015942.
Heterotopia, periventricular, X-linked dominant (PVNH1). Also called: PERIVENTRICULAR NODULAR HETEROTOPIA 1; X-linked periventricular heterotopia; PERIVENTRICULAR NODULAR HETEROTOPIA 4; HETEROTOPIA, PERIVENTRICULAR, 1. Identifiers: Orphanet 2149, Orphanet 82004, MedGen C1848213, MONDO:0010233, OMIM 300049.
Melnick-Needles syndrome (MNS). Also called: MELNICK-NEEDLES OSTEODYSPLASTY; OSTEODYSPLASTY OF MELNICK AND NEEDLES; Melnick-Needles Syndrome (FLNA-MNS). Identifiers: Orphanet 2484, MedGen C0025237, MONDO:0010650, OMIM 309350.
Oto-palato-digital syndrome, type II (OPD2). Also called: OPD II SYNDROME; FACIOPALATOOSSEOUS SYNDROME; Otopalatodigital Syndrome Type 2 (FLNA-OPD2); Otopalatodigital Syndrome, Type II. Identifiers: Orphanet 669, Orphanet 90652, MedGen C1844696, MONDO:0010571, OMIM 304120.

Allele frequency attached by ClinVar (database versions not stated): gnomAD exomes 0.00001.
gnomAD v4.1: 9 of 1,210,169 alleles (0.00074%); highest among the groups gnomAD compares: Non-Finnish European, 0.001%; no homozygotes.

Submission:

Labcorp Genetics (formerly Invitae), Labcorp
Classification: Uncertain significance for Oto-palato-digital syndrome, type II; Heterotopia, periventricular, X-linked dominant; Frontometaphyseal dysplasia; Melnick-Needles syndrome. Last evaluated: 2024-10-15. Review status: criteria provided, single submitter. Criteria: Invitae Variant Classification Sherloc (09022015). Collection method: clinical testing. Allele origin: germline.
Comment: This sequence change falls in intron 32 of the FLNA gene. It does not directly change the encoded amino acid sequence of the FLNA protein. It affects a nucleotide within the consensus splice site. This variant is not present in population databases (gnomAD no frequency). This variant has not been reported in the literature in individuals affected with FLNA-related conditions. ClinVar contains an entry for this variant (Variation ID: 935454). Variants that disrupt the consensus splice site are a relatively common cause of aberrant splicing (PMID: 17576681, 9536098). Algorithms developed to predict the effect of sequence changes on RNA splicing suggest that this variant is not likely to affect RNA splicing. In summary, the available evidence is currently insufficient to determine the role of this variant in disease. Therefore, it has been classified as a Variant of Uncertain Significance.

Literature cited by the submitters: PubMed 17576681; PubMed 9536098.